The following is an entry in ClinVar:

ClinVar aggregate classification (germline): Uncertain significance (1 of 4 stars; one submission).

Conditions:
Neuropathy, hereditary sensory and autonomic, type 2A (HSAN2A). Also called: WNK1-Related HSAN2 (HSAN2A); ACROOSTEOLYSIS, GIACCAI TYPE; ACROOSTEOLYSIS, NEUROGENIC; MORVAN DISEASE; NEUROPATHY, CONGENITAL SENSORY; NEUROPATHY, HEREDITARY SENSORY RADICULAR, AUTOSOMAL RECESSIVE. Identifiers: Orphanet 970, MedGen C2752089, MONDO:0024309, OMIM 201300.
Pseudohypoaldosteronism type 2C (PHA2C). Also called: Pseudohypoaldosteronism Type IIC. Identifiers: Orphanet 757, Orphanet 88940, MedGen C1840391, MONDO:0013778, OMIM 614492.

gnomAD v4.1: 2 of 1,611,956 alleles (0.00012%); highest among the groups gnomAD compares: African/African-American, 0.0027%; no homozygotes.

Submission:

Labcorp Genetics (formerly Invitae), Labcorp
Classification: Uncertain significance for Neuropathy, hereditary sensory and autonomic, type 2A; Pseudohypoaldosteronism type 2C. Last evaluated: 2025-03-27. Review status: criteria provided, single submitter. Criteria: Invitae Variant Classification Sherloc (09022015). Collection method: clinical testing. Allele origin: germline.
Comment: This sequence change replaces asparagine, which is neutral and polar, with tyrosine, which is neutral and polar, at codon 2618 of the WNK1 protein (p.Asn2618Tyr). This variant is present in population databases (rs534059333, gnomAD 0.007%). This variant has not been reported in the literature in individuals affected with WNK1-related conditions. Invitae Evidence Modeling of protein sequence and biophysical properties (such as structural, functional, and spatial information, amino acid conservation, physicochemical variation, residue mobility, and thermodynamic stability) indicates that this missense variant is not expected to disrupt WNK1 protein function with a negative predictive value of 95%. In summary, the available evidence is currently insufficient to determine the role of this variant in disease. Therefore, it has been classified as a Variant of Uncertain Significance.

NM_018979.4(WNK1):c.7096A>T (p.Asn2366Tyr)

Gene: WNK1 (WNK lysine deficient protein kinase 1; plus strand). Cytogenetic location: 12p13.33.
Variant type: single nucleotide variant.
Coding change: c.7096A>T on transcript NM_018979.4 (MANE Select); coding-DNA position 7096, A replaced by T.
Protein change: p.Asn2366Tyr; replaces asparagine 2366 with tyrosine.
Molecular consequence: missense variant.
Genome position (GRCh38, 1-based): chr12:908,739, A>T. VCF-style: chr12-908739-A-T. GRCh37 (hg19) VCF-style: chr12-1017905-A-T.
Other names: c.7876A>T, p.Asn2626Tyr (NM_001184985.2); c.6352A>T, p.Asn2118Tyr (NM_014823.3); c.7852A>T, p.Asn2618Tyr (NM_213655.5); short protein forms N2118Y, N2618Y, N2366Y, N2626Y.
Identifiers: ClinVar variation 4783454 (VCV004783454.1).